The following is an entry in ClinVar:

ClinVar aggregate classification (germline): Uncertain significance. Review status: criteria provided, multiple submitters, no conflicts (2 of 4 stars). 2 submissions from 2 submitters: Uncertain significance (2). Last evaluated 2022-06-29.

Allele frequency attached by ClinVar (database versions not stated): TOPMed 0.00002; ExAC 0.00003; gnomAD 0.00003; gnomAD exomes 0.00004; ESP Exome Variant Server 0.00008.
gnomAD v4.1: 54 of 1,613,050 alleles (0.0033%); highest among the groups gnomAD compares: Non-Finnish European, 0.0042%; no homozygotes.

Submissions (2):

Ambry Genetics
Classification: Uncertain significance. Last evaluated: 2022-06-29. Review status: criteria provided, single submitter. Criteria: Ambry Variant Classification Scheme 2023. Collection method: clinical testing. Allele origin: germline.

Labcorp Genetics (formerly Invitae), Labcorp
Classification: Uncertain significance. Last evaluated: 2022-06-07. Review status: criteria provided, single submitter. Criteria: Invitae Variant Classification Sherloc (09022015). Collection method: clinical testing. Allele origin: germline.
Comment: In summary, the available evidence is currently insufficient to determine the role of this variant in disease. Therefore, it has been classified as a Variant of Uncertain Significance. Algorithms developed to predict the effect of missense changes on protein structure and function (SIFT, PolyPhen-2, Align-GVGD) all suggest that this variant is likely to be disruptive. This variant has not been reported in the literature in individuals affected with IARS-related conditions. This variant is present in population databases (rs372434272, gnomAD 0.006%). This sequence change replaces methionine, which is neutral and non-polar, with threonine, which is neutral and polar, at codon 769 of the IARS protein (p.Met769Thr).

NM_002161.6(IARS1):c.2306T>C (p.Met769Thr)

Gene: IARS1 (isoleucyl-tRNA synthetase 1; minus strand). Cytogenetic location: 9q22.31.
Variant type: single nucleotide variant.
Coding change: c.2306T>C on transcript NM_002161.6 (MANE Select); coding-DNA position 2306, T replaced by C.
Protein change: p.Met769Thr; replaces methionine 769 with threonine.
Molecular consequence: missense variant. On other transcripts: non-coding transcript variant (1).
Genome position (GRCh38, 1-based): chr9:92,251,809, A>G on the plus strand (T>C on the coding strand, the complement: IARS1 is on the minus strand). VCF-style: chr9-92251809-A-G. GRCh37 (hg19) VCF-style: chr9-95014091-A-G.
Other names: c.2306T>C, p.Met769Thr (NM_001374299.1, NM_001374300.1, NM_001378572.1 and 12 more transcripts); c.2222T>C, p.Met741Thr (NM_001374301.1); c.2369T>C, p.Met790Thr (NM_001378569.1); c.2327T>C, p.Met776Thr (NM_001378571.1); c.2210T>C, p.Met737Thr (NM_001378582.1); c.2183T>C, p.Met728Thr (NM_001378583.1); c.2306T>C (NM_013417.2); short protein forms M737T, M741T, M776T, M728T, M769T, M790T.
Identifiers: ClinVar variation 2141789 (VCV002141789.5), dbSNP rs372434272, ClinGen allele CA5122263.